The following is an entry in ClinVar:

ClinVar aggregate classification (germline): Uncertain significance (1 of 4 stars; one submission).

Submission:

GeneDx
Classification: Uncertain significance. Last evaluated: 2025-04-15. Review status: criteria provided, single submitter. Criteria: GeneDx Variant Classification Process June 2021. Collection method: clinical testing. Allele origin: germline. Affected: yes.
Comment: Not observed at significant frequency in large population cohorts (gnomAD); In silico analysis indicates that this missense variant does not alter protein structure/function; Has not been previously published as pathogenic or benign to our knowledge

NM_020964.3(EPG5):c.1255T>C (p.Ser419Pro)

Genes: EPG5 (ectopic P-granules 5 autophagy tethering factor; minus strand), LOC126862737 (P300/CBP strongly-dependent group 1 enhancer GRCh37_chr18:43530707-43531906; plus strand). Cytogenetic location: 18q21.1.
Variant type: single nucleotide variant.
Coding change: c.1255T>C on transcript NM_020964.3 (MANE Select); coding-DNA position 1255, T replaced by C.
Protein change: p.Ser419Pro; replaces serine 419 with proline.
Molecular consequence: missense variant.
Genome position (GRCh38, 1-based): chr18:45,951,236, A>G on the plus strand (T>C on the coding strand, the complement: EPG5 is on the minus strand). VCF-style: chr18-45951236-A-G. GRCh37 (hg19) VCF-style: chr18-43531202-A-G.
Other names: c.1255T>C, p.Ser419Pro (NM_001410858.1, NM_001410859.1); short protein forms S419P.
Identifiers: ClinVar variation 4282019 (VCV004282019.1).